The following is an entry in ClinVar:

ClinVar aggregate classification (germline): Likely benign (1 of 4 stars; one submission).

gnomAD v4.1: 1,831 of 1,613,956 alleles (0.11%); highest among the groups gnomAD compares: Non-Finnish European, 0.14%; 1 homozygote.

Submission:

CeGaT Center for Human Genetics Tuebingen
Classification: Likely benign. Last evaluated: 2026-08-01. Review status: criteria provided, single submitter. Criteria: CeGaT Center For Human Genetics Tuebingen Variant Classification Criteria Version 2. Collection method: clinical testing. Allele origin: germline. Affected: yes. Observed: 1 variant allele.
Comment: PTBP1: BP4, BP7

NM_002819.5(PTBP1):c.120C>T (p.Asn40=)

Gene: PTBP1 (polypyrimidine tract binding protein 1; plus strand). Cytogenetic location: 19p13.3.
Variant type: single nucleotide variant.
Coding change: c.120C>T on transcript NM_002819.5 (MANE Select); coding-DNA position 120, C replaced by T.
Protein change: p.Asn40=; no amino-acid change (asparagine 40 retained).
Molecular consequence: synonymous variant.
Genome position (GRCh38, 1-based): chr19:804,040, C>T. VCF-style: chr19-804040-C-T. GRCh37 (hg19) VCF-style: chr19-804040-C-T.
Other names: c.120C>T, p.Asn40= (NM_031990.4, NM_031991.4); c.126C>T, p.Asn42= (NM_001411140.1).
Identifiers: ClinVar variation 5038958 (VCV005038958.1).